The following is an entry in ClinVar:

NM_020708.5(SLC12A5):c.1907+5G>A

Gene: SLC12A5 (solute carrier family 12 member 5; plus strand). Cytogenetic location: 20q13.12.
Variant type: single nucleotide variant.
Coding change: c.1907+5G>A on transcript NM_020708.5 (MANE Select); 5 bases into the intron after coding-DNA position 1907, G replaced by A.
Molecular consequence: intron variant.
Genome position (GRCh38, 1-based): chr20:46,047,578, G>A. VCF-style: chr20-46047578-G-A. GRCh37 (hg19) VCF-style: chr20-44676217-G-A.
Other names: c.1976+5G>A (NM_001134771.2).
Identifiers: ClinVar variation 946647 (VCV000946647.8), dbSNP rs2084607114, ClinGen allele CA1139666713.

ClinVar aggregate classification (germline): Uncertain significance (1 of 4 stars; one submission).

Conditions:
Developmental and epileptic encephalopathy, 34 (DEE34). Also called: Early infantile epileptic encephalopathy 34; SLC12A5-Related Epilepsy of Infancy with Migrating Focal Seizures. Identifiers: Orphanet 293181, MedGen C4225257, MONDO:0014718, OMIM 616645.

Submission:

Labcorp Genetics (formerly Invitae), Labcorp
Classification: Uncertain significance for Developmental and epileptic encephalopathy, 34. Last evaluated: 2022-08-16. Review status: criteria provided, single submitter. Criteria: Invitae Variant Classification Sherloc (09022015). Collection method: clinical testing. Allele origin: germline.
Comment: This variant has not been reported in the literature in individuals affected with SLC12A5-related conditions. This variant is not present in population databases (gnomAD no frequency). This sequence change falls in intron 15 of the SLC12A5 gene. It does not directly change the encoded amino acid sequence of the SLC12A5 protein. It affects a nucleotide within the consensus splice site. Variants that disrupt the consensus splice site are a relatively common cause of aberrant splicing (PMID: 17576681, 9536098). Algorithms developed to predict the effect of sequence changes on RNA splicing suggest that this variant may disrupt the consensus splice site. ClinVar contains an entry for this variant (Variation ID: 946647). In summary, the available evidence is currently insufficient to determine the role of this variant in disease. Therefore, it has been classified as a Variant of Uncertain Significance.

Literature cited by the submitters: PubMed 17576681; PubMed 9536098.